The following is an entry in ClinVar:

NM_198525.3(KIF7):c.2654C>A (p.Ala885Glu)

Gene: KIF7 (kinesin family member 7; minus strand). Cytogenetic location: 15q26.1.
Variant type: single nucleotide variant.
Coding change: c.2654C>A on transcript NM_198525.3 (MANE Select); coding-DNA position 2654, C replaced by A.
Protein change: p.Ala885Glu; replaces alanine 885 with glutamic acid.
Molecular consequence: missense variant.
Genome position (GRCh38, 1-based): chr15:89,633,205, G>T on the plus strand (C>A on the coding strand, the complement: KIF7 is on the minus strand). VCF-style: chr15-89633205-G-T. GRCh37 (hg19) VCF-style: chr15-90176436-G-T.
Other names: short protein forms A885E.
Identifiers: ClinVar variation 1303361 (VCV001303361.7), dbSNP rs774073055, ClinGen allele CA7728052.

ClinVar aggregate classification (germline): Uncertain significance. Review status: criteria provided, multiple submitters, no conflicts (2 of 4 stars). 3 submissions from 3 submitters: Uncertain significance (3). Last evaluated 2025-01-13.

Conditions:
Acrocallosal syndrome (ACLS). Also called: HALLUX DUPLICATION, POSTAXIAL POLYDACTYLY, AND ABSENCE OF CORPUS CALLOSUM; Schinzel syndrome 1; Absence of corpus callosum with unusual facial appearance, mental deficiency, duplication of the halluces and polydactyly. Identifiers: Orphanet 36, MedGen C0796147, MONDO:0008708, OMIM 200990.
Multiple epiphyseal dysplasia, Al-Gazali type. Also called: Macrocephaly with multiple epiphyseal dysplasia and distinctive facies. Identifiers: Orphanet 166024, MedGen C1846722, MONDO:0011778, OMIM 607131.
Hydrolethalus syndrome 2 (HLS2). Identifiers: Orphanet 2189, MedGen C3279899, MONDO:0013585, OMIM 614120.

gnomAD v4.1: 8 of 1,600,668 alleles (0.0005%); highest among the groups gnomAD compares: Admixed American, 0.0051%; no homozygotes.

Submissions (3):

Labcorp Genetics (formerly Invitae), Labcorp
Classification: Uncertain significance for Acrocallosal syndrome. Last evaluated: 2025-01-13. Review status: criteria provided, single submitter. Criteria: Invitae Variant Classification Sherloc (09022015). Collection method: clinical testing. Allele origin: germline.
Comment: This sequence change replaces alanine, which is neutral and non-polar, with glutamic acid, which is acidic and polar, at codon 885 of the KIF7 protein (p.Ala885Glu). The frequency data for this variant in the population databases is considered unreliable, as metrics indicate poor data quality at this position in the gnomAD database. This variant has not been reported in the literature in individuals affected with KIF7-related conditions. ClinVar contains an entry for this variant (Variation ID: 1303361). Invitae Evidence Modeling of protein sequence and biophysical properties (such as structural, functional, and spatial information, amino acid conservation, physicochemical variation, residue mobility, and thermodynamic stability) has been performed for this missense variant. However, the output from this modeling did not meet the statistical confidence thresholds required to predict the impact of this variant on KIF7 protein function. In summary, the available evidence is currently insufficient to determine the role of this variant in disease. Therefore, it has been classified as a Variant of Uncertain Significance.

Fulgent Genetics
Classification: Uncertain significance for Acrocallosal syndrome; Multiple epiphyseal dysplasia, Al-Gazali type; Hydrolethalus syndrome 2. Last evaluated: 2024-01-12. Review status: criteria provided, single submitter. Criteria: ACMG Guidelines, 2015. Collection method: clinical testing. Allele origin: germline.

GeneDx
Classification: Uncertain significance. Last evaluated: 2019-10-07. Review status: criteria provided, single submitter. Criteria: GeneDx Variant Classification Process June 2021. Collection method: clinical testing. Allele origin: germline. Affected: yes.
Comment: Not observed at a significant frequency in large population cohorts (Lek et al., 2016); In silico analysis, which includes protein predictors and evolutionary conservation, supports a deleterious effect; Has not been previously published as pathogenic or benign to our knowledge